The following is an entry in ClinVar:

NM_000143.4(FH):c.123G>T (p.Ala41=)

Gene: FH (fumarate hydratase; minus strand). Cytogenetic location: 1q43.
Variant type: single nucleotide variant.
Coding change: c.123G>T on transcript NM_000143.4 (MANE Select); coding-DNA position 123, G replaced by T.
Protein change: p.Ala41=; no amino-acid change (alanine 41 retained).
Molecular consequence: synonymous variant.
Genome position (GRCh38, 1-based): chr1:241,519,600, C>A on the plus strand (G>T on the coding strand, the complement: FH is on the minus strand). VCF-style: chr1-241519600-C-A. GRCh37 (hg19) VCF-style: chr1-241682900-C-A.
Identifiers: ClinVar variation 2485578 (VCV002485578.4), dbSNP rs1660317620, ClinGen allele CA424076707.

ClinVar aggregate classification (germline): Benign/Likely benign. Review status: criteria provided, multiple submitters, no conflicts (2 of 4 stars). 3 submissions from 3 submitters: Benign (1); Likely benign (2). Last evaluated 2025-10-02.

Conditions:
Hereditary cancer-predisposing syndrome. Also called: Hereditary Cancer Syndrome; Hereditary neoplastic syndrome; Neoplastic Syndromes, Hereditary; Tumor predisposition. Identifiers: Orphanet 140162, MedGen C0027672, MeSH D009386, MONDO:0015356.
Hereditary leiomyomatosis and renal cell cancer. Also called: MULTIPLE CUTANEOUS AND UTERINE LEIOMYOMATA 1, WITH OR WITHOUT RENAL CELL CARCINOMA; LEIOMYOMA, MULTIPLE CUTANEOUS; Multiple cutaneous leiomyomas; Reed syndrome; Multiple cutaneous and uterine leiomyomatosis; Cutaneous leiomyomata with uterine leiomyomata. Identifiers: Orphanet 523, MedGen C1708350, MONDO:0007888, OMIM 150800, HP:0007437. Disease mechanism: loss of function.

Submissions (3):

Labcorp Genetics (formerly Invitae), Labcorp
Classification: Likely benign. Last evaluated: 2025-10-02. Review status: criteria provided, single submitter. Criteria: Invitae Variant Classification Sherloc (09022015). Collection method: clinical testing. Allele origin: germline.

Myriad Genetics, Inc.
Classification: Benign for Hereditary leiomyomatosis and renal cell cancer. Last evaluated: 2024-10-17. Review status: criteria provided, single submitter. Criteria: Myriad Autosomal Dominant, Autosomal Recessive and X-Linked Classification Criteria (2023). Collection method: clinical testing. Allele origin: unknown.
Comment: This variant is considered benign. This variant is a silent/synonymous amino acid change and it is not expected to impact splicing.

Ambry Genetics
Classification: Likely benign for Hereditary cancer-predisposing syndrome. Last evaluated: 2022-12-18. Review status: criteria provided, single submitter. Criteria: Ambry Variant Classification Scheme 2023. Collection method: clinical testing. Allele origin: germline.